The following is an entry in ClinVar:

NM_000159.4(GCDH):c.848T>A (p.Leu283Gln)

Gene: GCDH (glutaryl-CoA dehydrogenase; plus strand). Cytogenetic location: 19p13.13.
Variant type: single nucleotide variant.
Coding change: c.848T>A on transcript NM_000159.4 (MANE Select); coding-DNA position 848, T replaced by A.
Protein change: p.Leu283Gln; replaces leucine 283 with glutamine.
Molecular consequence: missense variant. On other transcripts: non-coding transcript variant (2).
Genome position (GRCh38, 1-based): chr19:12,896,417, T>A. VCF-style: chr19-12896417-T-A. GRCh37 (hg19) VCF-style: chr19-13007231-T-A.
Other names: c.848T>A, p.Leu283Gln (NM_013976.5); short protein forms L283Q.
Identifiers: ClinVar variation 4687737 (VCV004687737.1).

ClinVar aggregate classification (germline): Uncertain significance (1 of 4 stars; one submission).

Submission:

Women's Health and Genetics/Laboratory Corporation of America, LabCorp
Classification: Uncertain significance. Last evaluated: 2025-10-27. Review status: criteria provided, single submitter. Criteria: LabCorp Variant Classification Summary - May 2015. Collection method: clinical testing. Allele origin: germline.
Comment: Variant summary: GCDH c.848T>A (p.Leu283Gln) results in a non-conservative amino acid change in the encoded protein sequence. Algorithms developed to predict the effect of missense changes on protein structure and function all suggest that this variant is likely to be disruptive. The variant was absent in 244606 control chromosomes. The available data on variant occurrences in the general population are insufficient to allow any conclusion about variant significance. To our knowledge, no occurrence of c.848T>A in individuals affected with GCDH-related conditions and no experimental evidence demonstrating its impact on protein function have been reported. A different variant affecting the same codon has been classified as likely pathogenic our lab (c.848T>C, p.Leu283Pro), supporting the critical relevance of codon 283 to GCDH protein function. No submitters have cited clinical-significance assessments for this variant to ClinVar. Based on the evidence outlined above, the variant was classified as uncertain significance.